The following is an entry in ClinVar:

ClinVar aggregate classification (germline): Pathogenic/Likely pathogenic. Review status: criteria provided, multiple submitters, no conflicts (2 of 4 stars). 4 submissions from 4 submitters: Pathogenic (2); Likely pathogenic (1). 1 of the submissions does not count toward it. Last evaluated 2026-05-01.

Conditions:
Charcot-Marie-Tooth disease type 4F. Also called: Charcot-Marie-Tooth disease, demyelinating, type 4F. Identifiers: Orphanet 99952, MedGen C3540453, MONDO:0013959, OMIM 614895.
Dejerine-Sottas disease. Also called: Charcot-Marie-Tooth disease type 3; HMSN Type III; Hereditary motor and sensory neuropathy 3; DEJERINE-SOTTAS NEUROPATHY; HEREDITARY MOTOR AND SENSORY NEUROPATHY TYPE III. Identifiers: Orphanet 64748, MedGen C0011195, MONDO:0007790, OMIM 145900.
PRX-related disorder. Also called: PRX-related condition; PRX-Related Disorders.
Charcot-Marie-Tooth disease type 4. Also called: Charcot-Marie-Tooth, Type 4; Charcot-Marie-Tooth disease, type IV. Identifiers: Orphanet 64749, MedGen C4082197, MONDO:0018995.
Charcot-Marie-Tooth disease, type I (CMT1). Also called: Charcot-Marie-Tooth disease type 1; Charcot-Marie-Tooth, Type 1. Identifiers: Orphanet 65753, MedGen C0751036, MONDO:0019011.

Allele frequency attached by ClinVar (database versions not stated): TOPMed 0.00001; gnomAD 0.00002; gnomAD exomes 0.00002 and 0.00003; ExAC 0.00004.

Submissions (4):

PreventionGenetics, part of Exact Sciences
Classification: Pathogenic for PRX-related condition. Last evaluated: 2026-05-01. Review status: criteria provided, single submitter. Criteria: ACMG Guidelines, 2015. Collection method: clinical testing. Allele origin: germline.
Comment: The PRX c.2689C>T variant is predicted to result in premature protein termination (p.Arg897*). This variant was reported in a Charcot-Marie-Tooth disease cohort study (Supplemental Table 5 in DiVincenzo et al. 2014. PubMed ID: 25614874). This variant is reported in 0.011% of alleles in individuals of Latino descent in gnomAD. Nonsense variants in PRX are expected to be pathogenic. This variant is interpreted as pathogenic for autosomal recessive PRX-related disorders.

Labcorp Genetics (formerly Invitae), Labcorp
Classification: Pathogenic for Charcot-Marie-Tooth disease type 4. Last evaluated: 2025-10-07. Review status: criteria provided, single submitter. Criteria: Invitae Variant Classification Sherloc (09022015). Collection method: clinical testing. Allele origin: germline.
Comment: This sequence change creates a premature translational stop signal (p.Arg897*) in the PRX gene. While this is not anticipated to result in nonsense mediated decay, it is expected to disrupt the last 565 amino acid(s) of the PRX protein. This variant is present in population databases (rs756689732, gnomAD 0.009%). This premature translational stop signal has been observed in individual(s) with Charcot-Marie-Tooth disease (PMID: 25614874). ClinVar contains an entry for this variant (Variation ID: 646421). Algorithms developed to predict the effect of sequence changes on RNA splicing suggest that this variant may create or strengthen a splice site. This variant disrupts a region of the PRX protein in which other variant(s) (p.Arg1070*) have been determined to be pathogenic (PMID: 15197604, 15469949, 16770524, 22847150, 26059842). This suggests that this is a clinically significant region of the protein, and that variants that disrupt it are likely to be disease-causing. For these reasons, this variant has been classified as Pathogenic.

Department of Pathology and Laboratory Medicine, Sinai Health System
Classification: Likely pathogenic for Dejerine-Sottas disease; Charcot-Marie-Tooth disease type 4F. Last evaluated: 2023-01-04. Review status: criteria provided, single submitter. Criteria: ACMG Guidelines, 2015. Collection method: research. Allele origin: germline.

Genesis Genome Database
Classification: Uncertain significance for Charcot-Marie-Tooth disease, type I. Last evaluated: 2019-08-14. Review status: no assertion criteria provided. Collection method: research. Allele origin: germline. Affected: yes. Not counted in ClinVar's aggregate classification.

Literature cited by the submitters: PubMed 25614874 (cited by Labcorp Genetics (formerly Invitae), Labcorp); PubMed 15197604 (cited by Labcorp Genetics (formerly Invitae), Labcorp); PubMed 15469949 (cited by Labcorp Genetics (formerly Invitae), Labcorp); PubMed 16770524 (cited by Labcorp Genetics (formerly Invitae), Labcorp); PubMed 22847150 (cited by Labcorp Genetics (formerly Invitae), Labcorp); PubMed 26059842 (cited by Labcorp Genetics (formerly Invitae), Labcorp).

NM_181882.3(PRX):c.2689C>T (p.Arg897Ter)

Gene: PRX (periaxin; minus strand). Cytogenetic location: 19q13.2.
Variant type: single nucleotide variant.
Coding change: c.2689C>T on transcript NM_181882.3 (MANE Select); coding-DNA position 2689, C replaced by T.
Protein change: p.Arg897Ter; replaces arginine 897 with a stop codon.
Molecular consequence: nonsense. On other transcripts: 3 prime UTR variant (1).
Genome position (GRCh38, 1-based): chr19:40,395,663, G>A on the plus strand (C>T on the coding strand, the complement: PRX is on the minus strand). VCF-style: chr19-40395663-G-A. GRCh37 (hg19) VCF-style: chr19-40901570-G-A.
Other names: c.*2894C>T (NM_020956.2); short protein forms R897*.
Identifiers: ClinVar variation 646421 (VCV000646421.11), dbSNP rs756689732, ClinGen allele CA9444001.